The following is an entry in ClinVar:

ClinVar aggregate classification (germline): Uncertain significance (1 of 4 stars; one submission).

Conditions:
Tuberous sclerosis 2 (TSC2). Identifiers: Orphanet 805, MedGen C1860707, MONDO:0013199, OMIM 613254.

Submission:

Otogenetics
Classification: Uncertain significance for Tuberous sclerosis 2. Last evaluated: 2026-03-12. Review status: criteria provided, single submitter. Criteria: ACMG Guidelines, 2015. Collection method: clinical testing. Allele origin: germline.
Comment: PM2: Variant not observed in gnomAD (<0.05% threshold); PP3: In-silico models predict deleterious effect (Revel = 0.9, BayesDel = 0.38)

NM_000548.5(TSC2):c.2516T>C (p.Met839Thr)

Gene: TSC2 (TSC complex subunit 2; plus strand). Cytogenetic location: 16p13.3.
Variant type: single nucleotide variant.
Coding change: c.2516T>C on transcript NM_000548.5 (MANE Select); coding-DNA position 2516, T replaced by C.
Protein change: p.Met839Thr; replaces methionine 839 with threonine.
Molecular consequence: missense variant. On other transcripts: non-coding transcript variant (5).
Genome position (GRCh38, 1-based): chr16:2,074,360, T>C. VCF-style: chr16-2074360-T-C. GRCh37 (hg19) VCF-style: chr16-2124361-T-C.
Other names: c.2516T>C, p.Met839Thr (NM_001077183.3, NM_001114382.3, NM_001363528.2 and 6 more transcripts); c.2405T>C, p.Met802Thr (NM_001318827.2, NM_001406670.1, NM_001406678.1); c.2369T>C, p.Met790Thr (NM_001318829.2, NM_001406675.1, NM_001406676.1 and 1 more transcripts); c.1916T>C, p.Met639Thr (NM_001318831.2, NM_001406685.1, NM_001406686.1 and 6 more transcripts); c.2549T>C, p.Met850Thr (NM_001318832.2); c.2606T>C, p.Met869Thr (NM_001406667.1, NM_001406668.1); c.2504T>C, p.Met835Thr (NM_001406671.1, NM_001406673.1); c.1172T>C, p.Met391Thr (NM_001406689.1, NM_001406690.1, NM_001406691.1 and 6 more transcripts); and 3 more; short protein forms M305T, M391T, M639T, M685T, M790T, M802T, M820T, M835T.
Identifiers: ClinVar variation 4819682 (VCV004819682.1).